The following is an entry in ClinVar:

NM_015692.5(CPAMD8):c.4849-5C>T

Gene: CPAMD8 (C3 and PZP like alpha-2-macroglobulin domain containing 8; minus strand). Cytogenetic location: 19p13.11.
Variant type: single nucleotide variant.
Coding change: c.4849-5C>T on transcript NM_015692.5 (MANE Select); 5 bases into the intron before coding-DNA position 4849, C replaced by T.
Molecular consequence: intron variant.
Genome position (GRCh38, 1-based): chr19:16,897,999, G>A on the plus strand (C>T on the coding strand, the complement: CPAMD8 is on the minus strand). VCF-style: chr19-16897999-G-A. GRCh37 (hg19) VCF-style: chr19-17008810-G-A.
Identifiers: ClinVar variation 714782 (VCV000714782.6), dbSNP rs185721615, ClinGen allele CA9284438.
Genomic context (GRCh38, chr19:16,897,999, plus strand): 5'-ACCACGCACTCCCGGAGAGCACGGAACCGCACGCACGTCAGGCACCGGCTGGGGATCTGT[G>A]GGGCAGCGGCGGGCGCAGGCTCGACCCGGGCCAGGAGGCCCGGGGCGCTGAGCTCAGGCC-3'

ClinVar aggregate classification (germline): Benign. Review status: criteria provided, single submitter (1 of 4 stars). 2 submissions from 2 submitters: Benign (1). 1 of the submissions does not count toward it. Last evaluated 2025-02-20.

Conditions:
CPAMD8-related disorder. Also called: CPAMD8-related condition.

Allele frequency attached by ClinVar (database versions not stated): gnomAD exomes 0.00030 and 0.00083; ExAC 0.00114; ESP Exome Variant Server 0.00187; gnomAD 0.00335 and 0.00361; TOPMed 0.00375; 1000 Genomes Project 0.00419; 1000 Genomes Project 30x 0.00422.
gnomAD v4.1: 959 of 1,606,706 alleles (0.06%); highest among the groups gnomAD compares: African/African-American, 1.2%; 4 homozygotes.

Submissions (2):

Labcorp Genetics (formerly Invitae), Labcorp
Classification: Benign. Last evaluated: 2025-02-20. Review status: criteria provided, single submitter. Criteria: Invitae Variant Classification Sherloc (09022015). Collection method: clinical testing. Allele origin: germline.

PreventionGenetics, part of Exact Sciences
Classification: Benign for CPAMD8-related condition. Last evaluated: 2019-04-11. Review status: no assertion criteria provided. Collection method: clinical testing. Allele origin: germline. Not counted in ClinVar's aggregate classification.
Comment: This variant is classified as benign based on ACMG/AMP sequence variant interpretation guidelines (Richards et al. 2015 PMID: 25741868, with internal and published modifications).